The following is an entry in ClinVar:

ClinVar aggregate classification (germline): Uncertain significance. Review status: criteria provided, multiple submitters, no conflicts (2 of 4 stars). 2 submissions from 2 submitters: Uncertain significance (2). Last evaluated 2024-10-15.

Conditions:
Spastic paraplegia. Identifiers: MedGen C0037772, HP:0001258.

Allele frequency attached by ClinVar (database versions not stated): TOPMed below 0.00001; gnomAD 0.00001; gnomAD exomes 0.00001; ExAC 0.00002.
gnomAD v4.1: 7 of 1,508,944 alleles (0.00046%); highest among the groups gnomAD compares: Admixed American, 0.0033%; no homozygotes.

Submissions (2):

Labcorp Genetics (formerly Invitae), Labcorp
Classification: Uncertain significance for Spastic paraplegia. Last evaluated: 2024-10-15. Review status: criteria provided, single submitter. Criteria: Invitae Variant Classification Sherloc (09022015). Collection method: clinical testing. Allele origin: germline.
Comment: This sequence change replaces methionine, which is neutral and non-polar, with valine, which is neutral and non-polar, at codon 568 of the HSPD1 protein (p.Met568Val). This variant is present in population databases (rs757331948, gnomAD 0.003%). This variant has not been reported in the literature in individuals affected with HSPD1-related conditions. ClinVar contains an entry for this variant (Variation ID: 1415601). Experimental studies and prediction algorithms are not available or were not evaluated, and the functional significance of this variant is currently unknown. In summary, the available evidence is currently insufficient to determine the role of this variant in disease. Therefore, it has been classified as a Variant of Uncertain Significance.

Blueprint Genetics
Classification: Uncertain significance. Last evaluated: 2020-10-15. Review status: criteria provided, single submitter. Criteria: ACMG Guidelines, 2015. Collection method: clinical testing. Allele origin: germline.

NM_002156.5(HSPD1):c.1702A>G (p.Met568Val)

Gene: HSPD1 (heat shock protein family D (Hsp60) member 1; minus strand). Cytogenetic location: 2q33.1.
Variant type: single nucleotide variant.
Coding change: c.1702A>G on transcript NM_002156.5 (MANE Select); coding-DNA position 1702, A replaced by G.
Protein change: p.Met568Val; replaces methionine 568 with valine.
Molecular consequence: missense variant.
Genome position (GRCh38, 1-based): chr2:197,487,066, T>C on the plus strand (A>G on the coding strand, the complement: HSPD1 is on the minus strand). VCF-style: chr2-197487066-T-C. GRCh37 (hg19) VCF-style: chr2-198351790-T-C.
Other names: c.1702A>G, p.Met568Val (NM_199440.2); short protein forms M568V.
Identifiers: ClinVar variation 1415601 (VCV001415601.9), dbSNP rs757331948, ClinGen allele CA2043306.